The following is an entry in ClinVar:

ClinVar aggregate classification (germline): Likely benign. Review status: criteria provided, multiple submitters, no conflicts (2 of 4 stars). 2 submissions from 2 submitters: Likely benign (2). Last evaluated 2024-09-18.

gnomAD v4.1: 1,323 of 1,610,434 alleles (0.082%); highest among the groups gnomAD compares: African/African-American, 1.6%; 11 homozygotes.

Submissions (2):

Blueprint Genetics
Classification: Likely benign. Last evaluated: 2024-09-18. Review status: criteria provided, single submitter. Criteria: ACMG Guidelines, 2015. Collection method: clinical testing. Allele origin: germline.

GeneDx
Classification: Likely benign. Last evaluated: 2023-11-13. Review status: criteria provided, single submitter. Criteria: GeneDx Variant Classification Process June 2021. Collection method: clinical testing. Allele origin: germline. Affected: yes.
Comment: See Variant Classification Assertion Criteria.

NM_000421.5(KRT10):c.*7C>T

Gene: KRT10 (keratin 10; minus strand). Cytogenetic location: 17q21.2.
Variant type: single nucleotide variant.
Coding change: c.*7C>T on transcript NM_000421.5 (MANE Select); 7 bases downstream of the stop codon, C replaced by T.
Molecular consequence: 3 prime UTR variant. On other transcripts: synonymous variant (1).
Genome position (GRCh38, 1-based): chr17:40,818,469, G>A on the plus strand (C>T on the coding strand, the complement: KRT10 is on the minus strand). VCF-style: chr17-40818469-G-A. GRCh37 (hg19) VCF-style: chr17-38974721-G-A.
Other names: c.1782C>T, p.Thr594= (NM_001379366.1).
Identifiers: ClinVar variation 4813969 (VCV004813969.2).